The following is an entry in ClinVar:

ClinVar aggregate classification (germline): Uncertain significance (1 of 4 stars; one submission).

Conditions:
Familial hemiplegic migraine. Identifiers: MedGen C0338484, MONDO:0000700.
Migraine, familial hemiplegic, 2. Identifiers: Orphanet 569, MedGen C1865322, MONDO:0011232, OMIM 602481.
Fetal akinesia deformation sequence. Identifiers: MedGen CN263240, MONDO:0008824.
Periodic paralysis. Identifiers: Orphanet 206976, MedGen C1279412, MONDO:0016122, HP:0003768.
Alternating hemiplegia of childhood 1 (AHC1). Identifiers: Orphanet 2131, MedGen C3549447, MONDO:0007087, OMIM 104290.
Early Infantile Epileptic Encephalopathy, Autosomal Dominant.

Allele frequency attached by ClinVar (database versions not stated): TOPMed below 0.00001; gnomAD exomes 0.00001.

Submission:

Labcorp Genetics (formerly Invitae), Labcorp
Classification: Uncertain significance for Familial hemiplegic migraine. Last evaluated: 2022-01-14. Review status: criteria provided, single submitter. Criteria: Invitae Variant Classification Sherloc (09022015). Collection method: clinical testing. Allele origin: germline.
Comment: This variant is present in population databases (no rsID available, gnomAD 0.002%). In summary, the available evidence is currently insufficient to determine the role of this variant in disease. Therefore, it has been classified as a Variant of Uncertain Significance. Advanced modeling of protein sequence and biophysical properties (such as structural, functional, and spatial information, amino acid conservation, physicochemical variation, residue mobility, and thermodynamic stability) performed at Invitae indicates that this missense variant is expected to disrupt ATP1A2 protein function. This variant has not been reported in the literature in individuals affected with ATP1A2-related conditions. This sequence change replaces glutamic acid, which is acidic and polar, with lysine, which is basic and polar, at codon 228 of the ATP1A2 protein (p.Glu228Lys).

NM_000702.4(ATP1A2):c.682G>A (p.Glu228Lys)

Genes: ATP1A2 (ATPase Na+/K+ transporting subunit alpha 2; plus strand), LOC126805890 (CDK7 strongly-dependent group 2 enhancer GRCh37_chr1:160093987-160095186; plus strand). Cytogenetic location: 1q23.2.
Variant type: single nucleotide variant.
Coding change: c.682G>A on transcript NM_000702.4 (MANE Select); coding-DNA position 682, G replaced by A.
Protein change: p.Glu228Lys; replaces glutamic acid 228 with lysine.
Molecular consequence: missense variant.
Genome position (GRCh38, 1-based): chr1:160,125,187, G>A. VCF-style: chr1-160125187-G-A. GRCh37 (hg19) VCF-style: chr1-160094977-G-A.
Other names: short protein forms E228K.
Identifiers: ClinVar variation 1981804 (VCV001981804.5), dbSNP rs1218350015, ClinGen allele CA343235332.
Genomic context (GRCh38, chr1:160,125,187, plus strand): 5'-CCTCCTCAGGTGGATAACTCATCCTTAACAGGAGAGTCGGAGCCCCAGACCCGCTCCCCC[G>A]AGTTCACCCATGAGAACCCCCTGGAGACCCGCAATATCTGTTTCTTCTCCACCAACTGTG-3'
Protein context (NP_000693.1, residues 218-238): GESEPQTRSP[Glu228Lys]FTHENPLETR